The following is an entry in ClinVar:

ClinVar aggregate classification (germline): Uncertain significance (1 of 4 stars; one submission).

Allele frequency attached by ClinVar (database versions not stated): TOPMed below 0.00001; gnomAD 0.00001; gnomAD exomes 0.00003 and 0.00007; ExAC 0.00007.
gnomAD v4.1: 51 of 1,611,822 alleles (0.0032%); highest among the groups gnomAD compares: South Asian, 0.046%; no homozygotes.

Submission:

Labcorp Genetics (formerly Invitae), Labcorp
Classification: Uncertain significance. Last evaluated: 2025-08-12. Review status: criteria provided, single submitter. Criteria: Invitae Variant Classification Sherloc (09022015). Collection method: clinical testing. Allele origin: germline.
Comment: This sequence change replaces leucine, which is neutral and non-polar, with tryptophan, which is neutral and slightly polar, at codon 735 of the ERBIN protein (p.Leu735Trp). This variant is present in population databases (rs763593331, gnomAD 0.06%), and has an allele count higher than expected for a pathogenic variant. This variant has not been reported in the literature in individuals affected with ERBIN-related conditions. ClinVar contains an entry for this variant (Variation ID: 1461362). An algorithm developed to predict the effect of missense changes on protein structure and function (PolyPhen-2) suggests that this variant is likely to be disruptive. In summary, the available evidence is currently insufficient to determine the role of this variant in disease. Therefore, it has been classified as a Variant of Uncertain Significance.

NM_001253697.2(ERBIN):c.2204T>G (p.Leu735Trp)

Gene: ERBIN (erbb2 interacting protein; plus strand). Cytogenetic location: 5q12.3.
Variant type: single nucleotide variant.
Coding change: c.2204T>G on transcript NM_001253697.2 (MANE Select); coding-DNA position 2204, T replaced by G.
Protein change: p.Leu735Trp; replaces leucine 735 with tryptophan.
Molecular consequence: missense variant.
Genome position (GRCh38, 1-based): chr5:66,053,522, T>G. VCF-style: chr5-66053522-T-G. GRCh37 (hg19) VCF-style: chr5-65349350-T-G.
Other names: c.2204T>G, p.Leu735Trp (NM_001006600.3, NM_001253698.2, NM_001253699.2 and 1 more transcripts); c.2192T>G, p.Leu731Trp (NM_001253701.2); short protein forms L731W, L735W.
Identifiers: ClinVar variation 1461362 (VCV001461362.8), dbSNP rs763593331, ClinGen allele CA3286447.